The following is an entry in ClinVar:

ClinVar aggregate classification (germline): Pathogenic. Review status: criteria provided, multiple submitters, no conflicts (2 of 4 stars). 2 submissions from 2 submitters: Pathogenic (2). Last evaluated 2026-05-26.

Conditions:
Hereditary cancer-predisposing syndrome. Also called: Tumor predisposition; Neoplastic Syndromes, Hereditary; Hereditary Cancer Syndrome; Hereditary neoplastic syndrome. Identifiers: Orphanet 140162, MedGen C0027672, MeSH D009386, MONDO:0015356.
Hereditary diffuse gastric adenocarcinoma (HDGC). Also called: DIFFUSE GASTRIC AND LOBULAR BREAST CANCER SYNDROME. Identifiers: Orphanet 26106, MedGen C1708349, MONDO:0007648, OMIM 137215.

Submissions (2):

Ambry Genetics
Classification: Pathogenic for Hereditary cancer-predisposing syndrome. Last evaluated: 2026-05-26. Review status: criteria provided, single submitter. Criteria: Ambry Variant Classification Scheme 2023. Collection method: clinical testing. Allele origin: germline.
Comment: The c.552_555delAGAA variant, located in coding exon 5 of the CDH1 gene, results from a deletion of 4 nucleotides at nucleotide positions 552 to 555, causing a translational frameshift with a predicted alternate stop codon (p.E185Afs*29). This variant is considered to be rare based on population cohorts in the Genome Aggregation Database (gnomAD). This alteration is expected to result in loss of function by premature protein truncation or nonsense-mediated mRNA decay. As such, this alteration is interpreted as a disease-causing mutation.

Labcorp Genetics (formerly Invitae), Labcorp
Classification: Pathogenic for Hereditary diffuse gastric adenocarcinoma. Last evaluated: 2025-04-17. Review status: criteria provided, single submitter. Criteria: Invitae Variant Classification Sherloc (09022015). Collection method: clinical testing. Allele origin: germline.
Comment: This sequence change creates a premature translational stop signal (p.Glu185Alafs*29) in the CDH1 gene. It is expected to result in an absent or disrupted protein product. Loss-of-function variants in CDH1 are known to be pathogenic (PMID: 15235021, 20373070). This variant is not present in population databases (gnomAD no frequency). This variant has not been reported in the literature in individuals affected with CDH1-related conditions. ClinVar contains an entry for this variant (Variation ID: 1458048). For these reasons, this variant has been classified as Pathogenic.

Literature cited by the submitters: PubMed 15235021 (cited by Labcorp Genetics (formerly Invitae), Labcorp); PubMed 20373070 (cited by Labcorp Genetics (formerly Invitae), Labcorp).

NM_004360.5(CDH1):c.552_555del (p.Glu185fs)

Gene: CDH1 (cadherin 1; plus strand). Cytogenetic location: 16q22.1.
Variant type: Deletion.
Coding change: c.552_555del on transcript NM_004360.5 (MANE Select); coding-DNA positions 552 to 555, 4 bases deleted (AGAA; older notation c.552_555delAGAA).
Protein change: p.Glu185fs; shifts the reading frame from glutamic acid 185.
Molecular consequence: frameshift variant. On other transcripts: 5 prime UTR variant (2).
Genome position (GRCh38, 1-based): chr16:68,808,713-68,808,716, AGAA deleted; deleting any 4 consecutive bases within chr16:68,808,711-68,808,716 gives the same sequence; the c. name uses the placement nearest the transcript's 3' end. VCF-style (leftmost placement, unchanged base first): chr16-68808710-CAAAG-C. GRCh37 (hg19) VCF-style: chr16-68842613-CAAAG-C.
Other names: c.552_555del, p.Glu185fs (NM_001317184.2); c.-1064_-1061del (NM_001317185.2); c.-1268_-1265del (NM_001317186.2); c.552_555delAGAA (NM_004360.3); short protein forms E185fs.
Identifiers: ClinVar variation 1458048 (VCV001458048.7), dbSNP rs2152130073, ClinGen allele CA2573152586.